The following is an entry in ClinVar:

NM_000360.4(TH):c.82G>C (p.Ala28Pro)

Gene: TH (tyrosine hydroxylase; minus strand). Cytogenetic location: 11p15.5.
Variant type: single nucleotide variant.
Coding change: c.82G>C on transcript NM_000360.4 (MANE Select); coding-DNA position 82, G replaced by C.
Protein change: p.Ala28Pro; replaces alanine 28 with proline.
Molecular consequence: missense variant.
Genome position (GRCh38, 1-based): chr11:2,171,705, C>G on the plus strand (G>C on the coding strand, the complement: TH is on the minus strand). VCF-style: chr11-2171705-C-G. GRCh37 (hg19) VCF-style: chr11-2192935-C-G.
Other names: c.82G>C, p.Ala28Pro (NM_199292.3, NM_199293.3); short protein forms A28P.
Identifiers: ClinVar variation 2004193 (VCV002004193.4), dbSNP rs769342435, ClinGen allele CA379112772.

ClinVar aggregate classification (germline): Uncertain significance (1 of 4 stars; one submission).

Conditions:
TH-deficient dopa-responsive dystonia. Also called: Tyrosine Hydroxylase-Deficient Dopa-Responsive Dystonia; Segawa syndrome, autosomal recessive; DYT-TH. Identifiers: Orphanet 101150, MedGen C2673535, MONDO:0011551, OMIM 605407.

Submission:

Labcorp Genetics (formerly Invitae), Labcorp
Classification: Uncertain significance for TH-deficient dopa-responsive dystonia. Last evaluated: 2022-06-10. Review status: criteria provided, single submitter. Criteria: Invitae Variant Classification Sherloc (09022015). Collection method: clinical testing. Allele origin: germline.
Comment: Algorithms developed to predict the effect of missense changes on protein structure and function are either unavailable or do not agree on the potential impact of this missense change (SIFT: "Deleterious"; PolyPhen-2: "Probably Damaging"; Align-GVGD: "Class C0"). This sequence change replaces alanine, which is neutral and non-polar, with proline, which is neutral and non-polar, at codon 28 of the TH protein (p.Ala28Pro). This variant is not present in population databases (gnomAD no frequency). This variant has not been reported in the literature in individuals affected with TH-related conditions. In summary, the available evidence is currently insufficient to determine the role of this variant in disease. Therefore, it has been classified as a Variant of Uncertain Significance.